The following is an entry in ClinVar:

ClinVar aggregate classification (germline): Uncertain significance. Review status: criteria provided, single submitter (1 of 4 stars). 2 submissions from 2 submitters: Uncertain significance (1). 1 of the submissions does not count toward it. Last evaluated 2024-11-05.

Conditions:
Cerebral creatine deficiency syndrome. Also called: Creatine deficiency syndromes. Identifiers: Orphanet 79172, MedGen C5244016, MONDO:0000456.
Deficiency of guanidinoacetate methyltransferase (CCDS2). Also called: GAMT DEFICIENCY; CEREBRAL CREATINE DEFICIENCY SYNDROME 2; Guanidinoacetate Methyltransferase (GAMT) Deficiency. Identifiers: Orphanet 382, MedGen C0574080, MONDO:0012999, OMIM 612736.

Submissions (2):

Labcorp Genetics (formerly Invitae), Labcorp
Classification: Uncertain significance for Cerebral creatine deficiency syndrome. Last evaluated: 2024-11-05. Review status: criteria provided, single submitter. Criteria: Invitae Variant Classification Sherloc (09022015). Collection method: clinical testing. Allele origin: germline.
Comment: This sequence change replaces isoleucine, which is neutral and non-polar, with valine, which is neutral and non-polar, at codon 36 of the GAMT protein (p.Ile36Val). This variant is not present in population databases (gnomAD no frequency). This variant has not been reported in the literature in individuals affected with GAMT-related conditions. ClinVar contains an entry for this variant (Variation ID: 966479). Invitae Evidence Modeling of protein sequence and biophysical properties (such as structural, functional, and spatial information, amino acid conservation, physicochemical variation, residue mobility, and thermodynamic stability) indicates that this missense variant is expected to disrupt GAMT protein function with a positive predictive value of 95%. In summary, the available evidence is currently insufficient to determine the role of this variant in disease. Therefore, it has been classified as a Variant of Uncertain Significance.

Natera, Inc.
Classification: Uncertain significance for Guanidinoacetate methyltransferase deficiency. Last evaluated: 2020-08-25. Review status: no assertion criteria provided. Collection method: clinical testing. Allele origin: germline. Not counted in ClinVar's aggregate classification.

NM_000156.6(GAMT):c.106A>G (p.Ile36Val)

Genes: GAMT (guanidinoacetate N-methyltransferase; minus strand), LOC130062945 (ATAC-STARR-seq lymphoblastoid silent region 9707; plus strand). Cytogenetic location: 19p13.3.
Variant type: single nucleotide variant.
Coding change: c.106A>G on transcript NM_000156.6 (MANE Select); coding-DNA position 106, A replaced by G.
Protein change: p.Ile36Val; replaces isoleucine 36 with valine.
Molecular consequence: missense variant.
Genome position (GRCh38, 1-based): chr19:1,401,371, T>C on the plus strand (A>G on the coding strand, the complement: GAMT is on the minus strand). VCF-style: chr19-1401371-T-C. GRCh37 (hg19) VCF-style: chr19-1401370-T-C.
Other names: c.106A>G, p.Ile36Val (NM_138924.3); short protein forms I36V.
Identifiers: ClinVar variation 966479 (VCV000966479.8), dbSNP rs2082632903, ClinGen allele CA402998154.